The following is an entry in ClinVar:

NM_000497.4(CYP11B1):c.950A>T (p.Asp317Val)

Genes: CYP11B1 (cytochrome P450 family 11 subfamily B member 1; minus strand), LOC106799833 (CYP11B1 recombination region; plus strand). Cytogenetic location: 8q24.3.
Variant type: single nucleotide variant.
Coding change: c.950A>T on transcript NM_000497.4 (MANE Select); coding-DNA position 950, A replaced by T.
Protein change: p.Asp317Val; replaces aspartic acid 317 with valine.
Molecular consequence: missense variant.
Genome position (GRCh38, 1-based): chr8:142,876,245, T>A on the plus strand (A>T on the coding strand, the complement: CYP11B1 is on the minus strand). VCF-style: chr8-142876245-T-A. GRCh37 (hg19) VCF-style: chr8-143957661-T-A.
Other names: c.950A>T, p.Asp317Val (NM_001026213.1); short protein forms D317V.
Identifiers: ClinVar variation 3366374 (VCV003366374.1).

ClinVar aggregate classification (germline): Likely pathogenic (1 of 4 stars; one submission).

Conditions:
Congenital adrenal hyperplasia. Identifiers: Orphanet 418, MedGen C0001627, MONDO:0018479, HP:0008258.

Submission:

Women's Health and Genetics/Laboratory Corporation of America, LabCorp
Classification: Likely pathogenic for Congenital adrenal hyperplasia. Last evaluated: 2024-08-08. Review status: criteria provided, single submitter. Criteria: LabCorp Variant Classification Summary - May 2015. Collection method: clinical testing. Allele origin: germline.
Comment: Variant summary: CYP11B1 c.950A>T (p.Asp317Val) results in a non-conservative amino acid change in the encoded protein sequence. Five of five in-silico tools predict a damaging effect of the variant on protein function. The variant was absent in 251396 control chromosomes (gnomAD). c.950A>T has been reported in the literature in individuals affected with 11beta-hydroxylase deficiency (example: Sun_2023, Wang_2021). At least one publication reports experimental evidence evaluating an impact on protein function. The most pronounced variant effect results in <10% of normal activity. The following publications have been ascertained in the context of this evaluation (PMID: 36929050, 33864926). No submitters have cited clinical-significance assessments for this variant to ClinVar. Based on the evidence outlined above, the variant was classified as likely pathogenic.

Literature cited by the submitters: PubMed 33864926; PubMed 36929050.